The following is an entry in ClinVar:

NM_004839.4(HOMER2):c.1031A>G (p.Ter344Trp)

Gene: HOMER2 (homer scaffold protein 2; minus strand). Cytogenetic location: 15q25.2.
Variant type: single nucleotide variant.
Coding change: c.1031A>G on transcript NM_004839.4 (MANE Select); coding-DNA position 1031, A replaced by G.
Protein change: p.Ter344Trp.
Molecular consequence: stop lost.
Genome position (GRCh38, 1-based): chr15:82,849,716, T>C on the plus strand (A>G on the coding strand, the complement: HOMER2 is on the minus strand). VCF-style: chr15-82849716-T-C. GRCh37 (hg19) VCF-style: chr15-83518468-T-C.
Other names: c.1064A>G, p.Ter355Trp (NM_199330.3).
Identifiers: ClinVar variation 3572954 (VCV003572954.2).

ClinVar aggregate classification (germline): Likely pathogenic (1 of 4 stars; one submission).

Conditions:
Autosomal dominant nonsyndromic hearing loss 68. Also called: Deafness, autosomal dominant 68. Identifiers: Orphanet 90635, MedGen C4225240, MONDO:0014740, OMIM 616707.

Submission:

Precision Medicine Center, Zhengzhou University
Classification: Likely pathogenic for Autosomal dominant nonsyndromic hearing loss 68. Review status: criteria provided, single submitter. Criteria: ClinGen HL ACMG Specifications v1. Collection method: clinical testing. Allele origin: germline. Inheritance: Autosomal dominant inheritance. Affected: yes. Observed: 10 variant alleles, 10 heterozygotes.
Comment: PVS1+PM2_supporting+PP1_strong Currently, ClinGen has rated the correlation between the HOMER2 gene and non-syndromic hereditary hearing loss as "Moderate". We have downgraded the rating of this variant to "Likely pathogenic".